The following is an entry in ClinVar:

ClinVar aggregate classification (germline): Uncertain significance. Review status: criteria provided, multiple submitters, no conflicts (2 of 4 stars). 2 submissions from 2 submitters: Uncertain significance (2). Last evaluated 2022-12-14.

Conditions:
Inborn genetic diseases. Identifiers: MedGen C0950123, MeSH D030342.

Allele frequency attached by ClinVar (database versions not stated): gnomAD exomes below 0.00001.

Submissions (2):

GeneDx
Classification: Uncertain significance. Last evaluated: 2022-12-14. Review status: criteria provided, single submitter. Criteria: GeneDx Variant Classification Process June 2021. Collection method: clinical testing. Allele origin: germline. Affected: yes.
Comment: Not observed at significant frequency in large population cohorts (gnomAD); In silico analysis supports that this missense variant has a deleterious effect on protein structure/function; Has not been previously published as pathogenic or benign to our knowledge

Ambry Genetics
Classification: Uncertain significance for Inborn genetic diseases. Last evaluated: 2018-05-15. Review status: criteria provided, single submitter. Criteria: Ambry exome assertion method (8-5-2015). Collection method: clinical testing. Allele origin: germline. Affected: yes. Observed: 1 variant allele.

NM_001005273.3(CHD3):c.2467C>T (p.Arg823Trp)

Gene: CHD3 (chromodomain helicase DNA binding protein 3; plus strand). Cytogenetic location: 17p13.1.
Variant type: single nucleotide variant.
Coding change: c.2467C>T on transcript NM_001005273.3 (MANE Select); coding-DNA position 2467, C replaced by T.
Protein change: p.Arg823Trp; replaces arginine 823 with tryptophan.
Molecular consequence: missense variant.
Genome position (GRCh38, 1-based): chr17:7,899,466, C>T. VCF-style: chr17-7899466-C-T. GRCh37 (hg19) VCF-style: chr17-7802784-C-T.
Other names: c.2644C>T, p.Arg882Trp (NM_001005271.3); c.2467C>T, p.Arg823Trp (NM_005852.4); short protein forms R823W, R882W.
Identifiers: ClinVar variation 985572 (VCV000985572.4), dbSNP rs1970056398, ClinGen allele CA397937953.